The following is an entry in ClinVar:

ClinVar aggregate classification (germline): Pathogenic (1 of 4 stars; one submission).

Submission:

GeneDx
Classification: Pathogenic. Last evaluated: 2015-07-16. Review status: criteria provided, single submitter. Criteria: GeneDx Variant Classification (06012015). Collection method: clinical testing. Allele origin: germline. Affected: yes.
Comment: The c.238-2 A>T splice site variant in the CDC73 gene destroys the canonical splice acceptor site in intron 2. It is predicted to cause abnormal gene splicing, either leading to an abnormal message that is subject to nonsense-mediated mRNA decay, or to an abnormal protein product if the message is used for protein translation. Although this variant has not been previously reported to our knowledge, we interpret it as pathogenic.

NM_024529.5(CDC73):c.238-2A>T

Gene: CDC73 (cell division cycle 73; plus strand). Cytogenetic location: 1q31.2.
Variant type: single nucleotide variant.
Coding change: c.238-2A>T on transcript NM_024529.5 (MANE Select); the canonical splice acceptor site of the intron before coding-DNA position 238, A replaced by T.
Molecular consequence: splice acceptor variant.
Genome position (GRCh38, 1-based): chr1:193,130,172, A>T. VCF-style: chr1-193130172-A-T. GRCh37 (hg19) VCF-style: chr1-193099302-A-T.
Identifiers: ClinVar variation 419476 (VCV000419476.2), dbSNP rs1064793897, ClinGen allele CA16617031.
Genomic context (GRCh38, chr1:193,130,172, plus strand): 5'-TATTTATTAAGTTGTGTATCATTGTTATTCATTTCATATCTCATTTAAAATTTTGGTTTT[A>T]GACTGAAAATATTCCTGTGGTTAGAAGACCTGATCGAAAAGATCTACTTGGATATCTCAA-3'